The following is an entry in ClinVar:

NC_000002.12:g.240042416G>A

Gene: PRR21 (proline rich 21; minus strand). Cytogenetic location: 2q37.3.
Variant type: single nucleotide variant.
Genome position: GRCh38 VCF-style: chr2-240042416-G-A. GRCh37 (hg19) VCF-style: chr2-240981833-G-A.
Identifiers: ClinVar variation 2652087 (VCV002652087.24), dbSNP rs1245415065, ClinGen allele CA432229567.

ClinVar aggregate classification (germline): Likely benign (1 of 4 stars; one submission).

Submission:

CeGaT Center for Human Genetics Tuebingen
Classification: Likely benign. Last evaluated: 2025-11-01. Review status: criteria provided, single submitter. Criteria: CeGaT Center For Human Genetics Tuebingen Variant Classification Criteria Version 2. Collection method: clinical testing. Allele origin: germline. Affected: yes. Observed: 2 variant alleles.
Comment: PRR21: BP4, BP7